The following is an entry in ClinVar:

NM_003201.3(TFAM):c.441+113A>G

Gene: TFAM (transcription factor A, mitochondrial; plus strand). Cytogenetic location: 10q21.1.
Variant type: single nucleotide variant.
Coding change: c.441+113A>G on transcript NM_003201.3 (MANE Select); 113 bases into the intron after coding-DNA position 441, A replaced by G.
Molecular consequence: intron variant.
Genome position (GRCh38, 1-based): chr10:58,388,932, A>G. VCF-style: chr10-58388932-A-G. GRCh37 (hg19) VCF-style: chr10-60148692-A-G.
Other names: NC_000010.10:g.60148692A>G; c.441+113A>G (NM_001270782.2).
Identifiers: ClinVar variation 684189 (VCV000684189.3), dbSNP rs2306604, ClinGen allele CA15633837.
Genomic context (GRCh38, chr10:58,388,932, plus strand): 5'-AACTATGAATATAGGTAGTTTTCTCTTAATAGGCAAATAAAATATGGTAGAATGTCATCA[A>G]GTATTCTTCAGTTAGGCAGAAGTGGGATAGTTCTCTTATGAAAAGTGAGATAGCCACTAG-3'

ClinVar aggregate classification (germline): Benign. Review status: criteria provided, multiple submitters, no conflicts (2 of 4 stars). 2 submissions from 2 submitters: Benign (2). Last evaluated 2018-06-14.

Allele frequency attached by ClinVar (database versions not stated): gnomAD exomes 0.44491; TOPMed 0.54831; 1000 Genomes Project 0.54912; 1000 Genomes Project 30x 0.55668.
gnomAD v4.1: 446,858 of 974,548 alleles (46%); highest among the groups gnomAD compares: African/African-American, 78%; 106,179 homozygotes.

Submissions (3):

GeneDx
Classification: Benign. Last evaluated: 2018-06-14. Review status: criteria provided, single submitter. Criteria: GeneDx Variant Classification (06012015). Collection method: clinical testing. Allele origin: germline. Affected: yes.
Comment: This variant is considered likely benign or benign based on one or more of the following criteria: it is a conservative change, it occurs at a poorly conserved position in the protein, it is predicted to be benign by multiple in silico algorithms, and/or has population frequency not consistent with disease.

Breakthrough Genomics
Classification: Benign. Review status: criteria provided, single submitter. Criteria: ACMG Guidelines, 2015. Collection method: not provided. Allele origin: germline. Inheritance: Autosomal recessive inheritance. Affected: yes.

Dr. Peter K. Rogan Lab, Western University
No classification provided (evidence only). Condition: Malignant lymphoma, large B-cell, diffuse. Review status: no classification provided. Collection method: in vitro. Allele origin: not applicable. Functional consequence: retained intron. Not counted in ClinVar's aggregate classification.